The following is an entry in ClinVar:

NM_001876.4(CPT1A):c.771+1G>A

Gene: CPT1A (carnitine palmitoyltransferase 1A; minus strand). Cytogenetic location: 11q13.3.
Variant type: single nucleotide variant.
Coding change: c.771+1G>A on transcript NM_001876.4 (MANE Select); the canonical splice donor site of the intron after coding-DNA position 771, G replaced by A.
Molecular consequence: splice donor variant.
Genome position (GRCh38, 1-based): chr11:68,796,855, C>T on the plus strand (G>A on the coding strand, the complement: CPT1A is on the minus strand). VCF-style: chr11-68796855-C-T. GRCh37 (hg19) VCF-style: chr11-68564323-C-T.
Other names: c.771+1G>A (NM_001031847.3).
Identifiers: ClinVar variation 2746201 (VCV002746201.4), dbSNP rs1555230494, ClinGen allele CA381634783.
Genomic context (GRCh38, chr11:68,796,855, plus strand): 5'-TGTGGACAGACCCGCCGCCCCACCGTCCTCGTCAGACAGCAGCCCGGGCGGGTGGACTCA[C>T]CATGGCATAATAGTTGCTGTTCACCATGAGCGGCCCTCGTCCTCGGAGGTAGATGTACTC-3'

ClinVar aggregate classification (germline): Likely pathogenic. Review status: criteria provided, multiple submitters, no conflicts (2 of 4 stars). 2 submissions from 2 submitters: Likely pathogenic (2). Last evaluated 2024-03-07.

Conditions:
Carnitine palmitoyl transferase 1A deficiency. Also called: CPT deficiency, hepatic, type IA; CPT I DEFICIENCY; CPT DEFICIENCY, HEPATIC, TYPE I; Carnitine palmitoyltransferase 1A deficiency; Carnitine palmitoyltransferase type I deficiency. Identifiers: Orphanet 156, MedGen C1829703, MONDO:0009705, OMIM 255120.

Submissions (2):

Fulgent Genetics
Classification: Likely pathogenic for Carnitine palmitoyl transferase 1A deficiency. Last evaluated: 2024-03-07. Review status: criteria provided, single submitter. Criteria: ACMG Guidelines, 2015. Collection method: clinical testing. Allele origin: germline.

Labcorp Genetics (formerly Invitae), Labcorp
Classification: Likely pathogenic for Carnitine palmitoyl transferase 1A deficiency. Last evaluated: 2023-07-24. Review status: criteria provided, single submitter. Criteria: Invitae Variant Classification Sherloc (09022015). Collection method: clinical testing. Allele origin: germline.
Comment: This sequence change affects a donor splice site in intron 7 of the CPT1A gene. It is expected to disrupt RNA splicing. Variants that disrupt the donor or acceptor splice site typically lead to a loss of protein function (PMID: 16199547), and loss-of-function variants in CPT1A are known to be pathogenic (PMID: 16169268). This variant is not present in population databases (gnomAD no frequency). This variant has not been reported in the literature in individuals affected with CPT1A-related conditions. Algorithms developed to predict the effect of sequence changes on RNA splicing suggest that this variant may disrupt the consensus splice site. In summary, the currently available evidence indicates that the variant is pathogenic, but additional data are needed to prove that conclusively. Therefore, this variant has been classified as Likely Pathogenic.

Literature cited by the submitters: PubMed 16199547 (cited by Labcorp Genetics (formerly Invitae), Labcorp); PubMed 16169268 (cited by Labcorp Genetics (formerly Invitae), Labcorp).